The following is an entry in ClinVar:

NM_004586.3(RPS6KA3):c.1444-5T>C

Gene: RPS6KA3 (ribosomal protein S6 kinase A3; minus strand). Cytogenetic location: Xp22.12.
Variant type: single nucleotide variant.
Coding change: c.1444-5T>C on transcript NM_004586.3 (MANE Select); 5 bases into the intron before coding-DNA position 1444, T replaced by C.
Molecular consequence: intron variant.
Genome position (GRCh38, 1-based): chrX:20,167,752, A>G on the plus strand (T>C on the coding strand, the complement: RPS6KA3 is on the minus strand). VCF-style: chrX-20167752-A-G. GRCh37 (hg19) VCF-style: chrX-20185870-A-G.
Identifiers: ClinVar variation 436557 (VCV000436557.10), dbSNP rs781136878, ClinGen allele CA10366103.

ClinVar aggregate classification (germline): Likely benign. Review status: criteria provided, multiple submitters, no conflicts (2 of 4 stars). 3 submissions from 3 submitters: Likely benign (3). Last evaluated 2024-11-27.

Conditions:
RPS6KA3-related disorder. Also called: RPS6KA3-related condition.

Allele frequency attached by ClinVar (database versions not stated): ExAC 0.00001; gnomAD exomes 0.00001 and 0.00002; gnomAD 0.00002 and 0.00003; TOPMed 0.00003.
gnomAD v4.1: 12 of 1,046,934 alleles (0.0011%); highest among the groups gnomAD compares: Middle Eastern, 0.099%; no homozygotes.

Submissions (3):

PreventionGenetics, part of Exact Sciences
Classification: Likely benign for RPS6KA3-related condition. Last evaluated: 2024-11-27. Review status: criteria provided, single submitter. Criteria: ACMG Guidelines, 2015. Collection method: clinical testing. Allele origin: germline.
Comment: This variant is classified as likely benign based on ACMG/AMP sequence variant interpretation guidelines (Richards et al. 2015 PMID: 25741868, with internal and published modifications).

Labcorp Genetics (formerly Invitae), Labcorp
Classification: Likely benign. Last evaluated: 2018-06-06. Review status: criteria provided, single submitter. Criteria: Invitae Variant Classification Sherloc (09022015). Collection method: clinical testing. Allele origin: germline.

Genetic Services Laboratory, University of Chicago
Classification: Likely benign. Last evaluated: 2016-02-25. Review status: criteria provided, single submitter. Criteria: ACMG Guidelines, 2015. Collection method: clinical testing. Allele origin: germline. Affected: no.